The following is an entry in ClinVar:

ClinVar aggregate classification (germline): Uncertain significance (1 of 4 stars; one submission).

Conditions:
Hereditary cancer-predisposing syndrome. Also called: Neoplastic Syndromes, Hereditary; Tumor predisposition; Hereditary Cancer Syndrome; Hereditary neoplastic syndrome. Identifiers: Orphanet 140162, MedGen C0027672, MeSH D009386, MONDO:0015356.

Allele frequency attached by ClinVar (database versions not stated): gnomAD exomes below 0.00001.
gnomAD v4.1: 2 of 1,612,960 alleles (0.00012%); highest among the groups gnomAD compares: Non-Finnish European, 0.000085%; no homozygotes.

Submission:

Ambry Genetics
Classification: Uncertain significance for Hereditary cancer-predisposing syndrome. Last evaluated: 2025-04-10. Review status: criteria provided, single submitter. Criteria: Ambry Variant Classification Scheme 2023. Collection method: clinical testing. Allele origin: germline.
Comment: The p.K1168T variant (also known as c.3503A>C), located in coding exon 29 of the TSC2 gene, results from an A to C substitution at nucleotide position 3503. The lysine at codon 1168 is replaced by threonine, an amino acid with similar properties. This amino acid position is conserved. In addition, the in silico prediction for this alteration is inconclusive. Since supporting evidence is limited at this time, the clinical significance of this alteration remains unclear.

NM_000548.5(TSC2):c.3503A>C (p.Lys1168Thr)

Gene: TSC2 (TSC complex subunit 2; plus strand). Cytogenetic location: 16p13.3.
Variant type: single nucleotide variant.
Coding change: c.3503A>C on transcript NM_000548.5 (MANE Select); coding-DNA position 3503, A replaced by C.
Protein change: p.Lys1168Thr; replaces lysine 1168 with threonine.
Molecular consequence: missense variant.
Genome position (GRCh38, 1-based): chr16:2,080,270, A>C. VCF-style: chr16-2080270-A-C. GRCh37 (hg19) VCF-style: chr16-2130271-A-C.
Other names: c.2771A>C, p.Lys924Thr (NM_001406688.1, NM_001318831.2, NM_001406687.1); c.2159A>C, p.Lys720Thr (NM_001406689.1); c.2030A>C, p.Lys677Thr (NM_001406692.1, NM_001406693.1, NM_001406694.1 and 1 more transcripts); c.3374A>C, p.Lys1125Thr (NM_021055.3, NM_001363528.2, NM_001370405.1); c.2027A>C, p.Lys676Thr (NM_001406695.1, NM_001406696.1, NM_001406697.1 and 1 more transcripts); c.1769A>C, p.Lys590Thr (NM_001406698.1); c.3371A>C, p.Lys1124Thr (NM_001077183.3, NM_001370404.1, NM_001406665.1); c.3503A>C, p.Lys1168Thr (NM_001114382.3); and 18 more; short protein forms K1118T, K1120T, K1131T, K1155T, K1088T, K1119T, K1121T, K1168T.
Identifiers: ClinVar variation 1732087 (VCV001732087.3), dbSNP rs2151459132, ClinGen allele CA394289215.